The following is an entry in ClinVar:

ClinVar aggregate classification (germline): Uncertain significance. Review status: criteria provided, multiple submitters, no conflicts (2 of 4 stars). 9 submissions from 9 submitters: Uncertain significance (9). Last evaluated 2026-01-07.

Conditions:
Fanconi anemia complementation group O. Also called: RAD51C-Related Fanconi Anemia. Identifiers: Orphanet 84, MedGen C3150653, MONDO:0013248, OMIM 613390.
Breast-ovarian cancer, familial, susceptibility to, 3. Also called: RAD51C-Related Breast/Ovarian Cancer. Identifiers: Orphanet 145, MedGen C3150659, MONDO:0013253, OMIM 613399.
Hereditary cancer-predisposing syndrome. Also called: Hereditary neoplastic syndrome; Neoplastic Syndromes, Hereditary; Tumor predisposition; Hereditary Cancer Syndrome. Identifiers: Orphanet 140162, MedGen C0027672, MeSH D009386, MONDO:0015356.

Allele frequency attached by ClinVar (database versions not stated): gnomAD 0.00001; gnomAD exomes 0.00001 and 0.00003; TOPMed 0.00002; ExAC 0.00004; ESP Exome Variant Server 0.00008.

Submissions (9):

Labcorp Genetics (formerly Invitae), Labcorp
Classification: Uncertain significance for Fanconi anemia complementation group O. Last evaluated: 2026-01-07. Review status: criteria provided, single submitter. Criteria: Invitae Variant Classification Sherloc (09022015). Collection method: clinical testing. Allele origin: germline.
Comment: This sequence change replaces arginine, which is basic and polar, with cysteine, which is neutral and slightly polar, at codon 212 of the RAD51C protein (p.Arg212Cys). This variant is present in population databases (rs137947462, gnomAD 0.01%). This variant has not been reported in the literature in individuals affected with RAD51C-related conditions. ClinVar contains an entry for this variant (Variation ID: 409842). Invitae Evidence Modeling of protein sequence and biophysical properties (such as structural, functional, and spatial information, amino acid conservation, physicochemical variation, residue mobility, and thermodynamic stability) has been performed for this missense variant. However, the output from this modeling did not meet the statistical confidence thresholds required to predict the impact of this variant on RAD51C protein function. Experimental studies have shown that this missense change does not substantially affect RAD51C function (PMID: 37253112). In summary, the available evidence is currently insufficient to determine the role of this variant in disease. Therefore, it has been classified as a Variant of Uncertain Significance.

Ambry Genetics
Classification: Uncertain significance for Hereditary cancer-predisposing syndrome. Last evaluated: 2025-07-21. Review status: criteria provided, single submitter. Criteria: Ambry Variant Classification Scheme 2023. Collection method: clinical testing. Allele origin: germline.
Comment: The p.R212C variant (also known as c.634C>T), located in coding exon 4 of the RAD51C gene, results from a C to T substitution at nucleotide position 634. The arginine at codon 212 is replaced by cysteine, an amino acid with highly dissimilar properties. Multiple functional studies on this alteration have demonstrated that it does not impact protein function (Prakash R et al. Proc Natl Acad Sci U S A, 2022 Sep;119:e2202727119; Hu C et al. Cancer Res, 2023 Aug;83:2557-2571). This amino acid position is well conserved in available vertebrate species. In addition, this alteration is predicted to be deleterious by in silico analysis. Based on the available evidence, the clinical significance of this variant remains unclear.

Quest Diagnostics Nichols Institute San Juan Capistrano
Classification: Uncertain significance. Last evaluated: 2025-02-18. Review status: criteria provided, single submitter. Criteria: Quest Diagnostics criteria. Collection method: clinical testing. Allele origin: unknown.
Comment: The RAD51C c.634C>T (p.Arg212Cys) variant has been reported in the published literature in individuals with a personal or family history of breast/ovarian cancer (PMIDs: 31742824 (2020), 33471991 (2021), see LOVD). Functional studies indicate this variant has neutral effect on DNA homologous recombination and homology-directed repair activity (PMIDs: 37253112 (2023), 36099300 (2022)). The frequency of this variant in the general population (Genome Aggregation Database) is uninformative in the assessment of its pathogenicity. Analysis of this variant using bioinformatics tools for the prediction of the effect of amino acid changes on protein structure and function yielded conflicting predictions that this variant is benign or damaging. Based on the available information, we are unable to determine the clinical significance of this variant.

GeneDx
Classification: Uncertain significance. Last evaluated: 2024-12-05. Review status: criteria provided, single submitter. Criteria: GeneDx Variant Classification Process June 2021. Collection method: clinical testing. Allele origin: germline. Affected: yes.
Comment: Observed in an individual with a personal and/or family history of hereditary breast and ovarian cancer (PMID: 31742824); Published functional studies demonstrate protein interaction with RAD51 paralog comparable to wild type (PMID: 36099300); In silico analysis supports that this missense variant has a deleterious effect on protein structure/function; This variant is associated with the following publications: (PMID: 14704354, 36099300, 31742824)

Mayo Clinic Laboratories, Mayo Clinic
Classification: Uncertain significance. Last evaluated: 2024-06-28. Review status: criteria provided, single submitter. Criteria: ACMG Guidelines, 2015. Collection method: clinical testing. Allele origin: germline. Observed: 1 variant allele.
Comment: BS3_supporting

Baylor Genetics
Classification: Uncertain significance for Breast-ovarian cancer, familial, susceptibility to, 3. Last evaluated: 2024-03-19. Review status: criteria provided, single submitter. Criteria: ACMG Guidelines, 2015. Collection method: clinical testing. Allele origin: unknown.

Color Diagnostics, LLC DBA Color Health
Classification: Uncertain significance for Hereditary cancer-predisposing syndrome. Last evaluated: 2023-11-01. Review status: criteria provided, single submitter. Criteria: ACMG Guidelines, 2015. Collection method: clinical testing. Allele origin: germline.
Comment: This missense variant replaces arginine with cysteine at codon 212 of the RAD51C protein. Computational prediction suggests that this variant may have deleterious impact on protein structure and function. A functional study has reported that this variant does not impact RAD51C function in binding to other RAD51 paralogs and in a homology-directed repair assay (PMID: 36099300). This variant has been detected in a breast cancer case-control meta-analysis in 1/60466 cases and 0/53461 unaffected individuals (PMID: 33471991; Leiden Open Variation Database DB-ID RAD51C_000156) and among individuals with personal or family history of breast, ovarian or pancreatic cancer (PMID: 31742824). This variant has been identified in 9/282638 chromosomes in the general population by the Genome Aggregation Database (gnomAD). The available evidence is insufficient to determine the role of this variant in disease conclusively. Therefore, this variant is classified as a Variant of Uncertain Significance.

KCCC/NGS Laboratory, Kuwait Cancer Control Center
Classification: Uncertain significance for Breast-ovarian cancer, familial, susceptibility to, 3. Last evaluated: 2023-07-05. Review status: criteria provided, single submitter. Criteria: ACMG Guidelines, 2015. Collection method: clinical testing. Allele origin: unknown. Inheritance: Autosomal dominant inheritance. Affected: yes. Observed: 1 heterozygote.
Comment: This sequence change replaces arginine, which is basic and polar, with cysteine, which is neutral and slightly polar, at codon 212 of the RAD51C protein (p.Arg212Cys). This variant observed in an individual with a personal and/or family history of hereditary breast and ovarian cancer (PMID: 14704354, 31742824, 36099300) also identified in 1/882 Chinese individuals who underwent multi-gene panel testing for HBOC risk assessment (Shao D et al. Cancer Sci, 2020 Feb;111:647-657). This variant is present in population databases (rs137947462, gnomAD 0.01%). ClinVar contains an entry for this variant (Variation ID: 409842). Algorithms developed to predict the effect of missense changes on protein structure and function are either unavailable or do not agree on the potential impact of this missense change (SIFT: "Deleterious"; PolyPhen-2: "Probably Damaging"). In summary, the available evidence is currently insufficient to determine the role of this variant in disease. Therefore, it has been classified as a Variant of Uncertain Significance.

Fulgent Genetics
Classification: Uncertain significance for Fanconi anemia complementation group O; Breast-ovarian cancer, familial, susceptibility to, 3. Last evaluated: 2021-07-07. Review status: criteria provided, single submitter. Criteria: ACMG Guidelines, 2015. Collection method: clinical testing. Allele origin: unknown.

Literature cited by the submitters: PubMed 37253112 (cited by 3 submitters); PubMed 36099300 (cited by 4 submitters); PubMed 31742824 (cited by 3 submitters); PubMed 33471991 (cited by Quest Diagnostics Nichols Institute San Juan Capistrano and Color Diagnostics, LLC DBA Color Health).

NM_058216.3(RAD51C):c.634C>T (p.Arg212Cys)

Genes: RAD51C (RAD51 paralog C; plus strand), LOC129390903 (MPRA-validated peak2919 silencer; plus strand). Cytogenetic location: 17q22.
Variant type: single nucleotide variant.
Coding change: c.634C>T on transcript NM_058216.3 (MANE Select); coding-DNA position 634, C replaced by T.
Protein change: p.Arg212Cys; replaces arginine 212 with cysteine.
Molecular consequence: missense variant. On other transcripts: non-coding transcript variant (1).
Genome position (GRCh38, 1-based): chr17:58,703,258, C>T. VCF-style: chr17-58703258-C-T. GRCh37 (hg19) VCF-style: chr17-56780619-C-T.
Other names: p.Arg212Cys; short protein forms R212C.
Identifiers: ClinVar variation 409842 (VCV000409842.31), dbSNP rs137947462, ClinGen allele CA8677285.